The following is an entry in ClinVar:

ClinVar aggregate classification (germline): Likely pathogenic (1 of 4 stars; one submission).

Conditions:
Hereditary cancer-predisposing syndrome. Also called: Tumor predisposition; Hereditary neoplastic syndrome; Hereditary Cancer Syndrome; Neoplastic Syndromes, Hereditary. Identifiers: Orphanet 140162, MedGen C0027672, MeSH D009386, MONDO:0015356.

Submission:

Ambry Genetics
Classification: Likely pathogenic for Hereditary cancer-predisposing syndrome. Last evaluated: 2023-09-16. Review status: criteria provided, single submitter. Criteria: Ambry Variant Classification Scheme 2023. Collection method: clinical testing. Allele origin: germline.
Comment: The p.L180* variant (also known as c.539T>G), located in coding exon 3 of the XRCC2 gene, results from a T to G substitution at nucleotide position 539. This changes the amino acid from a leucine to a stop codon within coding exon 3. This alteration occurs at the 3' terminus of theXRCC2 gene and is not expected to trigger nonsense-mediated mRNA decay. However, premature stop codons are typically deleterious in nature and the impacted region is critical for protein function and a significant portion of the protein is affected (Ambry internal data). This variant is considered to be rare based on population cohorts in the Genome Aggregation Database (gnomAD). Based on the majority of available evidence to date, this variant is likely to be pathogenic.

NM_005431.2(XRCC2):c.539T>G (p.Leu180Ter)

Gene: XRCC2 (X-ray repair cross complementing 2; minus strand). Cytogenetic location: 7q36.1.
Variant type: single nucleotide variant.
Coding change: c.539T>G on transcript NM_005431.2 (MANE Select); coding-DNA position 539, T replaced by G.
Protein change: p.Leu180Ter; replaces leucine 180 with a stop codon.
Molecular consequence: nonsense.
Genome position (GRCh38, 1-based): chr7:152,648,946, A>C on the plus strand (T>G on the coding strand, the complement: XRCC2 is on the minus strand). VCF-style: chr7-152648946-A-C. GRCh37 (hg19) VCF-style: chr7-152346031-A-C.
Other names: short protein forms L180*.
Identifiers: ClinVar variation 3224683 (VCV003224683.1), dbSNP rs1064793297, ClinGen allele CA370198474.